The following is an entry in ClinVar:

ClinVar aggregate classification (germline): Likely pathogenic (1 of 4 stars; one submission).

Conditions:
Combined oxidative phosphorylation deficiency 35 (COXPD35). Identifiers: MedGen C4693466, MONDO:0054742, OMIM 617873.

Submission:

Neuberg Centre For Genomic Medicine, NCGM
Classification: Likely pathogenic for Combined oxidative phosphorylation deficiency 35. Last evaluated: 2023-05-20. Review status: criteria provided, single submitter. Criteria: ACMG Guidelines, 2015. Collection method: clinical testing. Allele origin: germline. Inheritance: Autosomal recessive inheritance. Affected: yes.
Comment: The observed frameshift c.1085_1086del(p.Pro362ArgfsTer3) variant in TRIT1 gene has not been reported previously as a pathogenic variant nor as a benign variant, to our knowledge. This variant is absent in gnomAD Exomes. This variant causes a frameshift starting with codon Proline 362, changes this amino acid to Arginine residue, and creates a premature Stop codon at position 3 of the new reading frame, denoted p.Pro362ArgfsTer3. This variant is predicted to cause loss of normal protein function through protein truncation. Loss of function variants have been previously reported to be disease causing. For these reasons, this variant has been classified as Likely Pathogenic.

NM_017646.6(TRIT1):c.1085_1086del (p.Pro362fs)

Gene: TRIT1 (tRNA isopentenyltransferase 1; minus strand). Cytogenetic location: 1p34.2.
Variant type: Deletion.
Coding change: c.1085_1086del on transcript NM_017646.6 (MANE Select); coding-DNA positions 1085 to 1086, 2 bases deleted (CT; older notation c.1085_1086delCT).
Protein change: p.Pro362fs; shifts the reading frame from proline 362.
Molecular consequence: frameshift variant.
Genome position (GRCh38, 1-based): chr1:39,844,561-39,844,562, AG deleted on the plus strand (CT on the coding strand, the reverse complement: TRIT1 is on the minus strand). VCF-style (leftmost placement, unchanged base first): chr1-39844560-CAG-C. GRCh37 (hg19) VCF-style: chr1-40310232-CAG-C.
Other names: c.1007_1008delCT, p.Pro336Argfs (NM_001312691.2); c.839_840delCT, p.Pro280Argfs (NM_001312692.2); short protein forms P280fs, P336fs, P362fs.
Identifiers: ClinVar variation 3341369 (VCV003341369.1).